The following is an entry in ClinVar:

NM_001042492.3(NF1):c.172C>T (p.Leu58Phe)

Gene: NF1 (neurofibromin 1; plus strand). Cytogenetic location: 17q11.2.
Variant type: single nucleotide variant.
Coding change: c.172C>T on transcript NM_001042492.3 (MANE Select); coding-DNA position 172, C replaced by T.
Protein change: p.Leu58Phe; replaces leucine 58 with phenylalanine.
Molecular consequence: missense variant.
Genome position (GRCh38, 1-based): chr17:31,156,094, C>T. VCF-style: chr17-31156094-C-T. GRCh37 (hg19) VCF-style: chr17-29483112-C-T.
Other names: c.172C>T, p.Leu58Phe (NM_000267.4, NM_001128147.3); short protein forms L58F.
Identifiers: ClinVar variation 1004269 (VCV001004269.5), dbSNP rs2065657352, ClinGen allele CA398988632.

ClinVar aggregate classification (germline): Uncertain significance (1 of 4 stars; one submission).

Conditions:
Neurofibromatosis, type 1 (NF1). Also called: NEUROFIBROMATOSIS, TYPE I, SOMATIC; Peripheral type neurofibromatosis; VON RECKLINGHAUSEN DISEASE; Neurofibromatosis, type I. Identifiers: Orphanet 636, MedGen C0027831, MONDO:0018975, OMIM 162200. Disease mechanism: loss of function.

Submission:

Labcorp Genetics (formerly Invitae), Labcorp
Classification: Uncertain significance for Neurofibromatosis, type 1. Last evaluated: 2020-10-09. Review status: criteria provided, single submitter. Criteria: Invitae Variant Classification Sherloc (09022015). Collection method: clinical testing. Allele origin: germline.
Comment: In summary, the available evidence is currently insufficient to determine the role of this variant in disease. Therefore, it has been classified as a Variant of Uncertain Significance. Advanced modeling of protein sequence and biophysical properties (such as structural, functional, and spatial information, amino acid conservation, physicochemical variation, residue mobility, and thermodynamic stability) performed at Invitae indicates that this missense variant is expected to disrupt NF1 protein function. This variant has not been reported in the literature in individuals with NF1-related conditions. This variant is not present in population databases (ExAC no frequency). This sequence change replaces leucine with phenylalanine at codon 58 of the NF1 protein (p.Leu58Phe). The leucine residue is highly conserved and there is a small physicochemical difference between leucine and phenylalanine.